The following is an entry in ClinVar:

NM_001292034.3(TAB2):c.149G>A (p.Ser50Asn)

Gene: TAB2 (TGF-beta activated kinase 1 (MAP3K7) binding protein 2; plus strand). Cytogenetic location: 6q25.1.
Variant type: single nucleotide variant.
Coding change: c.149G>A on transcript NM_001292034.3 (MANE Select); coding-DNA position 149, G replaced by A.
Protein change: p.Ser50Asn; replaces serine 50 with asparagine.
Molecular consequence: missense variant.
Genome position (GRCh38, 1-based): chr6:149,378,064, G>A. VCF-style: chr6-149378064-G-A. GRCh37 (hg19) VCF-style: chr6-149699200-G-A.
Other names: c.53G>A, p.Ser18Asn (NM_001292035.3); c.149G>A, p.Ser50Asn (NM_001369506.1, NM_015093.6); short protein forms S18N, S50N.
Identifiers: ClinVar variation 3901310 (VCV003901310.2).
Genomic context (GRCh38, chr6:149,378,064, plus strand): 5'-TTTTGTTTTCATAGAATAATAATAACCTGGATGCCTGCTGTGCTGTTCTCTCTCAGGAGA[G>A]TACAAGATATCTTTATGGTGAAGGAGACTTGAATTTTTCAGATGATTCTGGAATTTCTGG-3'
Protein context (NP_001278963.1, residues 40-60): DACCAVLSQE[Ser50Asn]TRYLYGEGDL

ClinVar aggregate classification (germline): Uncertain significance. Review status: criteria provided, multiple submitters, no conflicts (2 of 4 stars). 2 submissions from 2 submitters: Uncertain significance (2). Last evaluated 2025-12-20.

Conditions:
Congenital heart defects, multiple types, 2 (CHTD2). Also called: Congenital heart defects, nonsyndromic, 2. Identifiers: Orphanet 664401, MedGen C3554279, MONDO:0014000, OMIM 614980.

gnomAD v4.1: 1 of 1,614,124 alleles (0.000062%); highest among the groups gnomAD compares: Non-Finnish European, 0.000085%; no homozygotes.

Submissions (2):

Clinical Genomics Laboratory, Washington University in St. Louis
Classification: Uncertain significance for Congenital heart defects, multiple types, 2. Last evaluated: 2025-12-20. Review status: criteria provided, single submitter. Criteria: ACMG Guidelines, 2015. Collection method: clinical testing. Allele origin: germline.
Comment: The TAB2 c.149G>A (p.Ser50Asn) variant has not been reported in the medical literature to our knowledge. This variant is only observed on 1/1,614,124 total alleles in the general population (gnomAD v.4.1.0), indicating it is not a common variant. Computational predictors are uncertain as to the impact of this variant on TAB2 function. This variant has been submitted to ClinVar as a variant of uncertain significance by one laboratory (Variation ID: 3901310). Due to limited information, and based on ACMG/AMP guidelines for variant interpretation (Richards S et al., PMID: 25741868), the clinical significance of this variant is uncertain at this time.

GeneDx
Classification: Uncertain significance. Last evaluated: 2024-12-04. Review status: criteria provided, single submitter. Criteria: GeneDx Variant Classification Process June 2021. Collection method: clinical testing. Allele origin: germline. Affected: yes.
Comment: Not observed at significant frequency in large population cohorts (gnomAD); In silico analysis indicates that this missense variant does not alter protein structure/function; Has not been previously published as pathogenic or benign to our knowledge